The following is an entry in ClinVar:

NM_001040108.2(MLH3):c.3230C>T (p.Ala1077Val)

Gene: MLH3 (mutL homolog 3; minus strand). Cytogenetic location: 14q24.3.
Variant type: single nucleotide variant.
Coding change: c.3230C>T on transcript NM_001040108.2 (MANE Select); coding-DNA position 3230, C replaced by T.
Protein change: p.Ala1077Val; replaces alanine 1077 with valine.
Molecular consequence: missense variant.
Genome position (GRCh38, 1-based): chr14:75,046,426, G>A on the plus strand (C>T on the coding strand, the complement: MLH3 is on the minus strand). VCF-style: chr14-75046426-G-A. GRCh37 (hg19) VCF-style: chr14-75513129-G-A.
Other names: c.3230C>T, p.Ala1077Val (NM_014381.3); short protein forms A1077V.
Identifiers: ClinVar variation 2094378 (VCV002094378.4), dbSNP rs1892224999, ClinGen allele CA390434596.

ClinVar aggregate classification (germline): Uncertain significance (1 of 4 stars; one submission).

Conditions:
Colorectal cancer, hereditary nonpolyposis, type 7. Identifiers: Orphanet 144, MedGen C1858380, MONDO:0013725, OMIM 614385.

Allele frequency attached by ClinVar (database versions not stated): TOPMed below 0.00001.

Submission:

Labcorp Genetics (formerly Invitae), Labcorp
Classification: Uncertain significance for Colorectal cancer, hereditary nonpolyposis, type 7. Last evaluated: 2022-11-18. Review status: criteria provided, single submitter. Criteria: Invitae Variant Classification Sherloc (09022015). Collection method: clinical testing. Allele origin: germline.
Comment: In summary, the available evidence is currently insufficient to determine the role of this variant in disease. Therefore, it has been classified as a Variant of Uncertain Significance. Algorithms developed to predict the effect of missense changes on protein structure and function (SIFT, PolyPhen-2, Align-GVGD) all suggest that this variant is likely to be tolerated. This variant has not been reported in the literature in individuals affected with MLH3-related conditions. This variant is not present in population databases (gnomAD no frequency). This sequence change replaces alanine, which is neutral and non-polar, with valine, which is neutral and non-polar, at codon 1077 of the MLH3 protein (p.Ala1077Val).